The following is an entry in ClinVar:

NM_003816.3(ADAM9):c.2315G>A (p.Arg772Lys)

Gene: ADAM9 (ADAM metallopeptidase domain 9; plus strand). Cytogenetic location: 8p11.22.
Variant type: single nucleotide variant.
Coding change: c.2315G>A on transcript NM_003816.3 (MANE Select); coding-DNA position 2315, G replaced by A.
Protein change: p.Arg772Lys; replaces arginine 772 with lysine.
Molecular consequence: missense variant. On other transcripts: non-coding transcript variant (3).
Genome position (GRCh38, 1-based): chr8:39,101,879, G>A. VCF-style: chr8-39101879-G-A. GRCh37 (hg19) VCF-style: chr8-38959398-G-A.
Other names: c.2315G>A (NM_003816.2); short protein forms R772K.
Identifiers: ClinVar variation 1471524 (VCV001471524.6), dbSNP rs150602318, ClinGen allele CA4721878.

ClinVar aggregate classification (germline): Uncertain significance. Review status: criteria provided, multiple submitters, no conflicts (2 of 4 stars). 3 submissions from 3 submitters: Uncertain significance (3). Last evaluated 2025-03-10.

Conditions:
Inborn genetic diseases. Identifiers: MedGen C0950123, MeSH D030342.

Allele frequency attached by ClinVar (database versions not stated): gnomAD 0.00004 and 0.00005; ExAC 0.00005; gnomAD exomes 0.00005; TOPMed 0.00005; ESP Exome Variant Server 0.00008.
gnomAD v4.1: 86 of 1,612,932 alleles (0.0053%); highest among the groups gnomAD compares: Non-Finnish European, 0.0067%; no homozygotes.

Submissions (3):

Ambry Genetics
Classification: Uncertain significance for Inborn genetic diseases. Last evaluated: 2025-03-10. Review status: criteria provided, single submitter. Criteria: Ambry Variant Classification Scheme 2023. Collection method: clinical testing. Allele origin: germline.

Blueprint Genetics
Classification: Uncertain significance. Last evaluated: 2024-11-22. Review status: criteria provided, single submitter. Criteria: ACMG Guidelines, 2015. Collection method: clinical testing. Allele origin: germline.

Labcorp Genetics (formerly Invitae), Labcorp
Classification: Uncertain significance. Last evaluated: 2022-05-25. Review status: criteria provided, single submitter. Criteria: Invitae Variant Classification Sherloc (09022015). Collection method: clinical testing. Allele origin: germline.
Comment: In summary, the available evidence is currently insufficient to determine the role of this variant in disease. Therefore, it has been classified as a Variant of Uncertain Significance. Algorithms developed to predict the effect of missense changes on protein structure and function (SIFT, PolyPhen-2, Align-GVGD) all suggest that this variant is likely to be tolerated. This variant has not been reported in the literature in individuals affected with ADAM9-related conditions. This variant is present in population databases (rs150602318, gnomAD 0.01%). This sequence change replaces arginine, which is basic and polar, with lysine, which is basic and polar, at codon 772 of the ADAM9 protein (p.Arg772Lys).